The following is an entry in ClinVar:

ClinVar aggregate classification (germline): Likely pathogenic (1 of 4 stars; one submission).

Conditions:
Familial dysautonomia. Also called: HSAN III; FD. Identifiers: Orphanet 1764, MedGen C0013364, MONDO:0009131, OMIM 223900. Disease mechanism: loss of function.

Submission:

Myriad Genetics, Inc.
Classification: Likely pathogenic for Familial dysautonomia. Last evaluated: 2022-05-07. Review status: criteria provided, single submitter. Criteria: Myriad Women's Health Autosomal Recessive and X-Linked Classification Criteria (2021). Collection method: clinical testing. Allele origin: unknown.
Comment: NM_003640.3(ELP1):c.3719T>G(L1240*) is expected to be pathogenic in the context of familial dysautonomia. This variant is predicted to lead to an abnormal or absent protein product due to the creation of a premature termination codon in ELP1, a gene where loss-of-function variants are known to be pathogenic. Please note: this variant was assessed in the context of healthy population screening.

NM_003640.5(ELP1):c.3719T>G (p.Leu1240Ter)

Gene: ELP1 (elongator acetyltransferase complex subunit 1; minus strand). Cytogenetic location: 9q31.3.
Variant type: single nucleotide variant.
Coding change: c.3719T>G on transcript NM_003640.5 (MANE Select); coding-DNA position 3719, T replaced by G.
Protein change: p.Leu1240Ter; replaces leucine 1240 with a stop codon.
Molecular consequence: nonsense.
Genome position (GRCh38, 1-based): chr9:108,878,131, A>C on the plus strand (T>G on the coding strand, the complement: ELP1 is on the minus strand). VCF-style: chr9-108878131-A-C. GRCh37 (hg19) VCF-style: chr9-111640411-A-C.
Other names: c.3377T>G, p.Leu1126Ter (NM_001318360.2); c.2672T>G, p.Leu891Ter (NM_001330749.2); short protein forms L1126*, L1240*, L891*.
Identifiers: ClinVar variation 1726027 (VCV001726027.2), dbSNP rs2537855098, ClinGen allele CA374410817.